The following is an entry in ClinVar:

ClinVar aggregate classification (germline): Pathogenic/Likely pathogenic. Review status: criteria provided, multiple submitters, no conflicts (2 of 4 stars). 6 submissions from 6 submitters: Pathogenic (3); Likely pathogenic (2). 1 of the submissions does not count toward it. Last evaluated 2025-05-23.

Conditions:
OCA2-related disorder. Also called: OCA2-related condition.
Nonsyndromic Oculocutaneous Albinism.
Tyrosinase-positive oculocutaneous albinism (OCA2). Also called: Oculocutaneous albinism type 2; Albinism, oculocutaneous, type II; ALBINISM II. Identifiers: Orphanet 79432, MedGen C0268495, MONDO:0008746, OMIM 203200.

Allele frequency attached by ClinVar (database versions not stated): gnomAD below 0.00001 and 0.00001; gnomAD exomes 0.00002; ExAC 0.00004.
gnomAD v4.1: 36 of 1,612,676 alleles (0.0022%); highest among the groups gnomAD compares: South Asian, 0.04%; no homozygotes.

Submissions (6):

Department of Clinical Genetics, Copenhagen University Hospital, Rigshospitalet
Classification: Likely pathogenic for Tyrosinase-positive oculocutaneous albinism. Last evaluated: 2025-05-23. Review status: criteria provided, single submitter. Criteria: ACMG Guidelines, 2015. Collection method: clinical testing. Allele origin: germline. Observed: 4 variant alleles.
Comment: The following ACMG criteria has been used: PS4, PS3_mod, PM2_sup, PP1_mod

Victorian Clinical Genetics Services, Murdoch Childrens Research Institute
Classification: Pathogenic for Tyrosinase-positive oculocutaneous albinism. Last evaluated: 2025-02-21. Review status: criteria provided, single submitter. Criteria: ACMG Guidelines, 2015. Collection method: clinical testing. Allele origin: germline. Affected: yes.
Comment: This variant is classified as Pathogenic. Evidence in support of pathogenic classification: Splice site variant proven to affect splicing of the transcript with uncertain effect on protein sequence. This variant has been shown to result in the skipping of exon 10 via minigene assays (PMIDs: 22734612, 37650133); Variant is present in gnomAD <0.01 for a recessive condition (v4: 36 heterozygote(s), 0 homozygote(s)); This variant has strong previous evidence of pathogenicity in unrelated individuals. This variant has been classified as likely pathogenic/pathogenic by diagnostic laboratories in ClinVar, and reported in the literature in multiple families with oculocutaneous albinism (PMID: 22734612). Evidence in support of benign classification: Abnormal splicing is not predicted and nucleotide is poorly conserved. Additional information: This variant is homozygous; This gene is associated with autosomal recessive disease; Alternative nucleotide change(s) at the same splice site, are present in gnomAD (Highest allele count: v4: 1 heterozygote(s), 0 homozygote(s)); Loss of function is a known mechanism of disease in this gene and is associated with brown oculocutaneous albinism (MIM#203200) and oculocutaneous albinism, type II (MIM#203200); Variants in this gene are known to have variable expressivity (PMID: 24518832; OMIM).

Labcorp Genetics (formerly Invitae), Labcorp
Classification: Pathogenic. Last evaluated: 2025-01-09. Review status: criteria provided, single submitter. Criteria: Invitae Variant Classification Sherloc (09022015). Collection method: clinical testing. Allele origin: germline.
Comment: This sequence change falls in intron 9 of the OCA2 gene. It does not directly change the encoded amino acid sequence of the OCA2 protein. RNA analysis indicates that this variant induces altered splicing and likely results in a shortened protein product. This variant is present in population databases (rs779461179, gnomAD 0.02%). This variant has been observed in individuals with ocular albinism (PMID: 22734612). It has also been observed to segregate with disease in related individuals. ClinVar contains an entry for this variant (Variation ID: 617802). Studies have shown that this variant results in skipping of exon 10, but is expected to preserve the integrity of the reading-frame (PMID: 22734612). For these reasons, this variant has been classified as Pathogenic.

Blueprint Genetics
Classification: Pathogenic for OCA2-related disorders. Last evaluated: 2022-07-07. Review status: criteria provided, single submitter. Criteria: ACMG Guidelines, 2015. Collection method: clinical testing. Allele origin: germline. Affected: yes. Observed: 3 variant alleles.

3billion
Classification: Likely pathogenic for Tyrosinase-positive oculocutaneous albinism. Last evaluated: 2022-05-22. Review status: criteria provided, single submitter. Criteria: ACMG Guidelines, 2015. Collection method: clinical testing. Allele origin: germline. Affected: yes. Observed: 1 homozygote.
Comment: The variant is observed at an extremely low frequency in the gnomAD v2.1.1 dataset (total allele frequency: 0.002%). In silico tools do not predict the variant to alter splicing and produce an abnormal transcript (SpliceAI: 0.12). The variant has been reported to co-segregate with the disease in at least 5 similarly affected relatives/individuals in the same family or similarly affected unrelated family (PMID: 22734612). The variant has been reported to be associated with OCA2 related disorder (ClinVar ID: VCV000617802). Therefore, this variant is classified as likely pathogenic according to the recommendation of ACMG/AMP guideline.

University of Washington Center for Mendelian Genomics, University of Washington
Classification: Likely pathogenic for Nonsyndromic Oculocutaneous Albinism. Last evaluated: 2017-03-07. Review status: no assertion criteria provided. Collection method: research. Allele origin: unknown. Affected: yes. Observed: 8 homozygotes. Not counted in ClinVar's aggregate classification.

Literature cited by the submitters: PubMed 22734612 (cited by 4 submitters); PubMed 37650133 (cited by Victorian Clinical Genetics Services, Murdoch Childrens Research Institute); PubMed 24518832 (cited by Victorian Clinical Genetics Services, Murdoch Childrens Research Institute); PubMed 28266639 (cited by University of Washington Center for Mendelian Genomics, University of Washington).

NM_000275.3(OCA2):c.1045-15T>G

Gene: OCA2 (OCA2 melanosomal transmembrane protein; minus strand). Cytogenetic location: 15q13.1.
Variant type: single nucleotide variant.
Coding change: c.1045-15T>G on transcript NM_000275.3 (MANE Select); 15 bases into the intron before coding-DNA position 1045, T replaced by G.
Molecular consequence: intron variant.
Genome position (GRCh38, 1-based): chr15:27,990,662, A>C on the plus strand (T>G on the coding strand, the complement: OCA2 is on the minus strand). VCF-style: chr15-27990662-A-C. GRCh37 (hg19) VCF-style: chr15-28235808-A-C.
Other names: c.1045-996T>G (NM_001300984.2).
Identifiers: ClinVar variation 617802 (VCV000617802.10), dbSNP rs779461179, ClinGen allele CA7439231.